The following is an entry in ClinVar:

ClinVar aggregate classification (germline): Uncertain significance (1 of 4 stars; one submission).

Conditions:
Deficiency of beta-ureidopropionase (UPB1D). Also called: Beta-ureidopropionase deficiency. Identifiers: Orphanet 65287, MedGen C1291512, MONDO:0013164, OMIM 613161.

Submission:

Clinical Genomics Laboratory, Washington University in St. Louis
Classification: Uncertain significance for Deficiency of beta-ureidopropionase. Last evaluated: 2025-10-21. Review status: criteria provided, single submitter. Criteria: ACMG Guidelines, 2015. Collection method: clinical testing. Allele origin: germline.
Comment: The UPB1 c.598C>T (p.Pro200Ser) variant, to our knowledge, has not been reported in the medical literature. This variant is only observed in 2/1,614,108 alleles in the general population (gnomAD v.4.1.0), indicating it is not a common variant. Computational predictors indicate that the variant is damaging, evidence that correlates with impact to UPB1 function. Due to limited information, the clinical significance of this variant is uncertain.

NM_016327.3(UPB1):c.598C>T (p.Pro200Ser)

Gene: UPB1 (beta-ureidopropionase 1; plus strand). Cytogenetic location: 22q11.23.
Variant type: single nucleotide variant.
Coding change: c.598C>T on transcript NM_016327.3 (MANE Select); coding-DNA position 598, C replaced by T.
Protein change: p.Pro200Ser; replaces proline 200 with serine.
Molecular consequence: missense variant.
Genome position (GRCh38, 1-based): chr22:24,513,462, C>T. VCF-style: chr22-24513462-C-T. GRCh37 (hg19) VCF-style: chr22-24909430-C-T.
Other names: short protein forms P200S.
Identifiers: ClinVar variation 4879527 (VCV004879527.1).